The following is an entry in ClinVar:

ClinVar aggregate classification (germline): Benign (1 of 4 stars; one submission).

Conditions:
Familial cancer of breast. Also called: Hereditary breast cancer; hereditary breast carcinoma; BREAST CANCER, FAMILIAL. Identifiers: Orphanet 227535, MedGen C0346153, MONDO:0016419, OMIM 114480. Disease mechanism: loss of function.

Submission:

Myriad Genetics, Inc.
Classification: Benign for Familial cancer of breast. Last evaluated: 2025-01-13. Review status: criteria provided, single submitter. Criteria: Myriad Autosomal Dominant, Autosomal Recessive and X-Linked Classification Criteria (2023). Collection method: clinical testing. Allele origin: unknown.
Comment: This variant is considered benign. This variant is a silent/synonymous amino acid change and it is not expected to impact splicing.

NM_024675.4(PALB2):c.999C>A (p.Thr333=)

Gene: PALB2 (partner and localizer of BRCA2; minus strand). Cytogenetic location: 16p12.2.
Variant type: single nucleotide variant.
Coding change: c.999C>A on transcript NM_024675.4 (MANE Select); coding-DNA position 999, C replaced by A.
Protein change: p.Thr333=; no amino-acid change (threonine 333 retained).
Molecular consequence: synonymous variant. On other transcripts: intron variant (3).
Genome position (GRCh38, 1-based): chr16:23,635,547, G>T on the plus strand (C>A on the coding strand, the complement: PALB2 is on the minus strand). VCF-style: chr16-23635547-G-T. GRCh37 (hg19) VCF-style: chr16-23646868-G-T.
Other names: c.939C>A, p.Thr313= (NM_001407296.1); c.999C>A, p.Thr333= (NM_001407297.1, NM_001407298.1, NM_001407299.1 and 3 more transcripts); c.114C>A, p.Thr38= (NM_001407304.1, NM_001407305.1, NM_001407306.1 and 5 more transcripts); c.48+5563C>A (NM_001407314.1); c.-104-5078C>A (NM_001407313.1, NM_001407312.1).
Identifiers: ClinVar variation 3904104 (VCV003904104.1).